The following is an entry in ClinVar:

ClinVar aggregate classification (germline): Uncertain significance. Review status: criteria provided, multiple submitters, no conflicts (2 of 4 stars). 2 submissions from 2 submitters: Uncertain significance (2). Last evaluated 2025-11-21.

Conditions:
Inborn genetic diseases. Identifiers: MedGen C0950123, MeSH D030342.
Episodic ataxia type 1 (EA1). Also called: Episodic ataxia/myokymia syndrome; ATAXIA, EPISODIC, WITH MYOKYMIA; MYOKYMIA WITH PERIODIC ATAXIA; PAROXYSMAL ATAXIA WITH NEUROMYOTONIA, HEREDITARY. Identifiers: Orphanet 37612, Orphanet 972, MedGen C1719788, MONDO:0008047, OMIM 160120.

Allele frequency attached by ClinVar (database versions not stated): gnomAD 0.00001; ExAC 0.00002; gnomAD exomes 0.00002 and 0.00004; TOPMed 0.00002; 1000 Genomes Project 0.00020; 1000 Genomes Project 30x 0.00031.

Submissions (2):

Ambry Genetics
Classification: Uncertain significance for Inborn genetic diseases. Last evaluated: 2025-11-21. Review status: criteria provided, single submitter. Criteria: Ambry Variant Classification Scheme 2023. Collection method: clinical testing. Allele origin: germline.

Labcorp Genetics (formerly Invitae), Labcorp
Classification: Uncertain significance for Episodic ataxia type 1. Last evaluated: 2025-09-14. Review status: criteria provided, single submitter. Criteria: Invitae Variant Classification Sherloc (09022015). Collection method: clinical testing. Allele origin: germline.
Comment: This sequence change replaces aspartic acid, which is acidic and polar, with glutamic acid, which is acidic and polar, at codon 440 of the KCNA1 protein (p.Asp440Glu). This variant is present in population databases (rs182735896, gnomAD 0.02%). This variant has not been reported in the literature in individuals affected with KCNA1-related conditions. ClinVar contains an entry for this variant (Variation ID: 1478442). Invitae Evidence Modeling of protein sequence and biophysical properties (such as structural, functional, and spatial information, amino acid conservation, physicochemical variation, residue mobility, and thermodynamic stability) indicates that this missense variant is not expected to disrupt KCNA1 protein function with a negative predictive value of 95%. In summary, the available evidence is currently insufficient to determine the role of this variant in disease. Therefore, it has been classified as a Variant of Uncertain Significance.

NM_000217.3(KCNA1):c.1320C>A (p.Asp440Glu)

Gene: KCNA1 (potassium voltage-gated channel subfamily A member 1; plus strand). Cytogenetic location: 12p13.32.
Variant type: single nucleotide variant.
Coding change: c.1320C>A on transcript NM_000217.3 (MANE Select); coding-DNA position 1320, C replaced by A.
Protein change: p.Asp440Glu; replaces aspartic acid 440 with glutamic acid.
Molecular consequence: missense variant.
Genome position (GRCh38, 1-based): chr12:4,912,698, C>A. VCF-style: chr12-4912698-C-A. GRCh37 (hg19) VCF-style: chr12-5021864-C-A.
Other names: c.1320C>A (NM_000217.2); short protein forms D440E.
Identifiers: ClinVar variation 1478442 (VCV001478442.9), dbSNP rs182735896, ClinGen allele CA6399488.